The following is an entry in ClinVar:

NM_000064.4(C3):c.2506C>T (p.Pro836Ser)

Gene: C3 (complement C3; minus strand). Cytogenetic location: 19p13.3.
Variant type: single nucleotide variant.
Coding change: c.2506C>T on transcript NM_000064.4 (MANE Select); coding-DNA position 2506, C replaced by T.
Protein change: p.Pro836Ser; replaces proline 836 with serine.
Molecular consequence: missense variant.
Genome position (GRCh38, 1-based): chr19:6,697,729, G>A on the plus strand (C>T on the coding strand, the complement: C3 is on the minus strand). VCF-style: chr19-6697729-G-A. GRCh37 (hg19) VCF-style: chr19-6697740-G-A.
Other names: short protein forms P836S.
Identifiers: ClinVar variation 1945281 (VCV001945281.5), dbSNP rs200388595, ClinGen allele CA403633987.

ClinVar aggregate classification (germline): Uncertain significance (1 of 4 stars; one submission).

Allele frequency attached by ClinVar (database versions not stated): TOPMed below 0.00001; gnomAD 0.00001.
gnomAD v4.1: 2 of 1,612,816 alleles (0.00012%); highest among the groups gnomAD compares: African/African-American, 0.0027%; no homozygotes.

Submission:

Labcorp Genetics (formerly Invitae), Labcorp
Classification: Uncertain significance. Last evaluated: 2024-12-09. Review status: criteria provided, single submitter. Criteria: Invitae Variant Classification Sherloc (09022015). Collection method: clinical testing. Allele origin: germline.
Comment: This sequence change replaces proline, which is neutral and non-polar, with serine, which is neutral and polar, at codon 836 of the C3 protein (p.Pro836Ser). This variant is not present in population databases (gnomAD no frequency). This variant has not been reported in the literature in individuals affected with C3-related conditions. ClinVar contains an entry for this variant (Variation ID: 1945281). Invitae Evidence Modeling of protein sequence and biophysical properties (such as structural, functional, and spatial information, amino acid conservation, physicochemical variation, residue mobility, and thermodynamic stability) indicates that this missense variant is expected to disrupt C3 protein function with a positive predictive value of 80%. In summary, the available evidence is currently insufficient to determine the role of this variant in disease. Therefore, it has been classified as a Variant of Uncertain Significance.